The following is an entry in ClinVar:

ClinVar aggregate classification (germline): Uncertain significance. Review status: criteria provided, multiple submitters, no conflicts (2 of 4 stars). 2 submissions from 2 submitters: Uncertain significance (2). Last evaluated 2023-09-25.

Conditions:
Inborn genetic diseases. Identifiers: MedGen C0950123, MeSH D030342.

gnomAD v4.1: 26 of 1,613,992 alleles (0.0016%); highest among the groups gnomAD compares: Non-Finnish European, 0.0021%; no homozygotes.

Submissions (2):

Ambry Genetics
Classification: Uncertain significance for Inborn genetic diseases. Last evaluated: 2023-09-25. Review status: criteria provided, single submitter. Criteria: Ambry Variant Classification Scheme 2023. Collection method: clinical testing. Allele origin: germline.

Labcorp Genetics (formerly Invitae), Labcorp
Classification: Uncertain significance. Last evaluated: 2022-03-27. Review status: criteria provided, single submitter. Criteria: Invitae Variant Classification Sherloc (09022015). Collection method: clinical testing. Allele origin: germline.
Comment: This sequence change replaces arginine, which is basic and polar, with serine, which is neutral and polar, at codon 941 of the NBAS protein (p.Arg941Ser). This variant is present in population databases (rs374303460, gnomAD 0.003%). This variant has not been reported in the literature in individuals affected with NBAS-related conditions. Algorithms developed to predict the effect of missense changes on protein structure and function (SIFT, PolyPhen-2, Align-GVGD) all suggest that this variant is likely to be disruptive. Algorithms developed to predict the effect of sequence changes on RNA splicing suggest that this variant may create or strengthen a splice site. In summary, the available evidence is currently insufficient to determine the role of this variant in disease. Therefore, it has been classified as a Variant of Uncertain Significance.

NM_015909.4(NBAS):c.2821C>A (p.Arg941Ser)

Gene: NBAS (NBAS subunit of NRZ tethering complex; minus strand). Cytogenetic location: 2p24.3.
Variant type: single nucleotide variant.
Coding change: c.2821C>A on transcript NM_015909.4 (MANE Select); coding-DNA position 2821, C replaced by A.
Protein change: p.Arg941Ser; replaces arginine 941 with serine.
Molecular consequence: missense variant. On other transcripts: non-coding transcript variant (1).
Genome position (GRCh38, 1-based): chr2:15,415,662, G>T on the plus strand (C>A on the coding strand, the complement: NBAS is on the minus strand). VCF-style: chr2-15415662-G-T. GRCh37 (hg19) VCF-style: chr2-15555786-G-T.
Other names: c.2821C>A (NM_015909.2); short protein forms R941S.
Identifiers: ClinVar variation 1368292 (VCV001368292.6), dbSNP rs374303460, ClinGen allele CA1536244.
Genomic context (GRCh38, chr2:15,415,662, plus strand): 5'-AAGTTACTAAATATTCTTTTAATAGCTCATTAGCCACACCAGGCGACTGTTTCTCACAAC[G>T]ATGAAGAAAGGGAACCATCCACTGGTAGGCACTTGTCACATATTTATCCTCAGAACACTG-3'
Protein context (NP_056993.2, residues 931-951): AYQWMVPFLH[Arg941Ser]CEKQSPGVAN